The following is an entry in ClinVar:

ClinVar aggregate classification (germline): Benign/Likely benign. Review status: criteria provided, multiple submitters, no conflicts (2 of 4 stars). 4 submissions from 4 submitters: Benign (1); Likely benign (2). 1 of the submissions does not count toward it. Last evaluated 2026-01-13.

Conditions:
Leber congenital amaurosis 5 (LCA5). Also called: Amaurosis congenita of Leber, type 5. Identifiers: Orphanet 65, MedGen C1858301, MONDO:0011473, OMIM 604537.
LCA5-related disorder. Also called: LCA5-related condition.

Allele frequency attached by ClinVar (database versions not stated): gnomAD exomes 0.00006; ExAC 0.00011; gnomAD 0.00021 and 0.00024; TOPMed 0.00023; ESP Exome Variant Server 0.00038.
gnomAD v4.1: 66 of 1,613,596 alleles (0.0041%); highest among the groups gnomAD compares: African/African-American, 0.084%; no homozygotes.

Submissions (4):

Labcorp Genetics (formerly Invitae), Labcorp
Classification: Benign. Last evaluated: 2026-01-13. Review status: criteria provided, single submitter. Criteria: Invitae Variant Classification Sherloc (09022015). Collection method: clinical testing. Allele origin: germline.

PreventionGenetics, part of Exact Sciences
Classification: Likely benign for LCA5-related condition. Last evaluated: 2025-03-17. Review status: criteria provided, single submitter. Criteria: ACMG Guidelines, 2015. Collection method: clinical testing. Allele origin: germline.
Comment: This variant is classified as likely benign based on ACMG/AMP sequence variant interpretation guidelines (Richards et al. 2015 PMID: 25741868, with internal and published modifications).

Blueprint Genetics
Classification: Likely benign. Last evaluated: 2023-09-27. Review status: criteria provided, single submitter. Criteria: ACMG Guidelines, 2015. Collection method: clinical testing. Allele origin: germline.

Natera, Inc.
Classification: Likely benign for Leber congenital amaurosis type 5. Last evaluated: 2019-11-11. Review status: no assertion criteria provided. Collection method: clinical testing. Allele origin: germline. Not counted in ClinVar's aggregate classification.

NM_001122769.3(LCA5):c.768G>A (p.Gln256=)

Gene: LCA5 (lebercilin LCA5; minus strand). Cytogenetic location: 6q14.1.
Variant type: single nucleotide variant.
Coding change: c.768G>A on transcript NM_001122769.3 (MANE Select); coding-DNA position 768, G replaced by A.
Protein change: p.Gln256=; no amino-acid change (glutamine 256 retained).
Molecular consequence: synonymous variant.
Genome position (GRCh38, 1-based): chr6:79,493,703, C>T on the plus strand (G>A on the coding strand, the complement: LCA5 is on the minus strand). VCF-style: chr6-79493703-C-T. GRCh37 (hg19) VCF-style: chr6-80203420-C-T.
Other names: c.768G>A (NM_181714.3); c.768G>A, p.Gln256= (NM_181714.4).
Identifiers: ClinVar variation 1169661 (VCV001169661.12), dbSNP rs142495741, ClinGen allele CA3901028.